The following is an entry in ClinVar:

NM_177438.3(DICER1):c.183C>T (p.Ile61=)

Gene: DICER1 (dicer 1, ribonuclease III; minus strand). Cytogenetic location: 14q32.13.
Variant type: single nucleotide variant.
Coding change: c.183C>T on transcript NM_177438.3 (MANE Select); coding-DNA position 183, C replaced by T.
Protein change: p.Ile61=; no amino-acid change (isoleucine 61 retained).
Molecular consequence: synonymous variant.
Genome position (GRCh38, 1-based): chr14:95,132,639, G>A on the plus strand (C>T on the coding strand, the complement: DICER1 is on the minus strand). VCF-style: chr14-95132639-G-A. GRCh37 (hg19) VCF-style: chr14-95598976-G-A.
Other names: c.183C>T, p.Ile61= (NM_001195573.1, NM_001271282.3, NM_001291628.2 and 1 more transcripts).
Identifiers: ClinVar variation 417081 (VCV000417081.16), dbSNP rs932113852, ClinGen allele CA16614730.

ClinVar aggregate classification (germline): Benign/Likely benign. Review status: criteria provided, multiple submitters, no conflicts (2 of 4 stars). 3 submissions from 3 submitters: Benign (1); Likely benign (2). Last evaluated 2026-04-14.

Conditions:
DICER1-related tumor predisposition. Also called: DICER1-related pleuropulmonary blastoma cancer predisposition syndrome; DICER1 syndrome. Identifiers: Orphanet 284343, MedGen C3839822, MONDO:0100216.
Hereditary cancer-predisposing syndrome. Also called: Hereditary Cancer Syndrome; Neoplastic Syndromes, Hereditary; Hereditary neoplastic syndrome; Tumor predisposition. Identifiers: Orphanet 140162, MedGen C0027672, MeSH D009386, MONDO:0015356.

Allele frequency attached by ClinVar (database versions not stated): TOPMed below 0.00001; gnomAD 0.00001; gnomAD exomes 0.00001.
gnomAD v4.1: 12 of 1,613,782 alleles (0.00074%); highest among the groups gnomAD compares: African/African-American, 0.004%; no homozygotes.

Submissions (3):

Myriad Genetics, Inc.
Classification: Benign for DICER1-related tumor predisposition. Last evaluated: 2026-04-14. Review status: criteria provided, single submitter. Criteria: Myriad Autosomal Dominant, Autosomal Recessive and X-Linked Classification Criteria (2023). Collection method: clinical testing. Allele origin: unknown.
Comment: This variant is considered benign. This variant is a silent/synonymous amino acid change and it is not expected to impact splicing.

Labcorp Genetics (formerly Invitae), Labcorp
Classification: Likely benign for DICER1-related tumor predisposition. Last evaluated: 2024-10-31. Review status: criteria provided, single submitter. Criteria: Invitae Variant Classification Sherloc (09022015). Collection method: clinical testing. Allele origin: germline.

Ambry Genetics
Classification: Likely benign for Hereditary cancer-predisposing syndrome. Last evaluated: 2020-02-27. Review status: criteria provided, single submitter. Criteria: Ambry Variant Classification Scheme 2023. Collection method: clinical testing. Allele origin: germline.